The following is an entry in ClinVar:

ClinVar aggregate classification (germline): Conflicting classifications of pathogenicity. Review status: criteria provided, conflicting classifications (1 of 4 stars). 2 submissions from 2 submitters: Uncertain significance (1); Likely benign (1). Last evaluated 2026-09-01.

Conditions:
Cardiovascular phenotype. Identifiers: MedGen CN230736.

Allele frequency attached by ClinVar (database versions not stated): gnomAD exomes below 0.00001.
gnomAD v4.1: 2 of 1,205,572 alleles (0.00017%); highest among the groups gnomAD compares: Non-Finnish European, 0.00022%; no homozygotes.

Submissions (2):

Ambry Genetics
Classification: Likely benign for Cardiovascular phenotype. Last evaluated: 2026-09-01. Review status: criteria provided, single submitter. Criteria: Ambry Variant Classification Scheme 2023. Collection method: clinical testing. Allele origin: germline.

Women's Health and Genetics/Laboratory Corporation of America, LabCorp
Classification: Uncertain significance. Last evaluated: 2023-08-29. Review status: criteria provided, single submitter. Criteria: LabCorp Variant Classification Summary - May 2015. Collection method: clinical testing. Allele origin: germline.
Comment: Variant summary: DMD c.2381A>G (p.Glu794Gly) results in a non-conservative amino acid change located in the fourth repeat of the central rod domain of the encoded protein sequence. Three of five in-silico tools predict a damaging effect of the variant on protein function. Consensus agreement among computation tools predict no significant impact on normal splicing. However, these predictions have yet to be confirmed by functional studies. The variant was absent in 171091 control chromosomes (gnomAD). The available data on variant occurrences in the general population are insufficient to allow any conclusion about variant significance. To our knowledge, no occurrence of c.2381A>G in individuals affected with Dystrophinopathies and no experimental evidence demonstrating its impact on protein function have been reported. No submitters have cited clinical-significance assessments for this variant to ClinVar after 2014. Based on the evidence outlined above, the variant was classified as uncertain significance.

NM_004006.3(DMD):c.2381A>G (p.Glu794Gly)

Gene: DMD (dystrophin; minus strand). Cytogenetic location: Xp21.1.
Variant type: single nucleotide variant.
Coding change: c.2381A>G on transcript NM_004006.3 (MANE Select); coding-DNA position 2381, A replaced by G.
Protein change: p.Glu794Gly; replaces glutamic acid 794 with glycine.
Molecular consequence: missense variant.
Genome position (GRCh38, 1-based): chrX:32,491,518, T>C on the plus strand (A>G on the coding strand, the complement: DMD is on the minus strand). VCF-style: chrX-32491518-T-C. GRCh37 (hg19) VCF-style: chrX-32509635-T-C.
Other names: c.2357A>G, p.Glu786Gly (NM_000109.4); c.2369A>G, p.Glu790Gly (NM_004009.3); c.2012A>G, p.Glu671Gly (NM_004010.3); short protein forms E671G, E786G, E790G, E794G.
Identifiers: ClinVar variation 1804760 (VCV001804760.4), dbSNP rs2525056880, ClinGen allele CA412673018.
Genomic context (GRCh38, chrX:32,491,518, plus strand): 5'-TCGATCCACCGGCTGTTCAGTTGTTCTGAGGCTTGTTTGATGCTATCTGCATTAACACCC[T>C]CTAGAAAGAAAAAAATAATTAAATATATCCCCTGAACCCACAGACTGAAAGAAATGATCT-3'
Protein context (NP_003997.2, residues 784-804): AQALVEQMVN[Glu794Gly]GVNADSIKQA